The following is an entry in ClinVar:

NM_004260.4(RECQL4):c.830A>T (p.Gln277Leu)

Gene: RECQL4 (RecQ like helicase 4; minus strand). Cytogenetic location: 8q24.3.
Variant type: single nucleotide variant.
Coding change: c.830A>T on transcript NM_004260.4 (MANE Select); coding-DNA position 830, A replaced by T.
Protein change: p.Gln277Leu; replaces glutamine 277 with leucine.
Molecular consequence: missense variant.
Genome position (GRCh38, 1-based): chr8:144,516,289, T>A on the plus strand (A>T on the coding strand, the complement: RECQL4 is on the minus strand). VCF-style: chr8-144516289-T-A. GRCh37 (hg19) VCF-style: chr8-145741673-T-A.
Other names: c.830A>T (NM_004260.3); short protein forms Q277L.
Identifiers: ClinVar variation 1505918 (VCV001505918.7), dbSNP rs913014713, ClinGen allele CA187688815.

ClinVar aggregate classification (germline): Uncertain significance. Review status: criteria provided, multiple submitters, no conflicts (2 of 4 stars). 2 submissions from 2 submitters: Uncertain significance (2). Last evaluated 2025-10-05.

Conditions:
Inborn genetic diseases. Identifiers: MedGen C0950123, MeSH D030342.
Baller-Gerold syndrome (BGS). Also called: CRANIOSYNOSTOSIS WITH RADIAL DEFECTS. Identifiers: Orphanet 1225, MedGen C0265308, MONDO:0009039, OMIM 218600.

Allele frequency attached by ClinVar (database versions not stated): gnomAD exomes 0.00001.

Submissions (2):

Ambry Genetics
Classification: Uncertain significance for Inborn genetic diseases. Last evaluated: 2025-10-05. Review status: criteria provided, single submitter. Criteria: Ambry Variant Classification Scheme 2023. Collection method: clinical testing. Allele origin: germline.
Comment: The p.Q277L variant (also known as c.830A>T), located in coding exon 5 of the RECQL4 gene, results from an A to T substitution at nucleotide position 830. The glutamine at codon 277 is replaced by leucine, an amino acid with dissimilar properties. This amino acid position is conserved. In addition, this alteration is predicted to be tolerated by in silico analysis. Based on the available evidence, the clinical significance of this variant remains unclear.

Labcorp Genetics (formerly Invitae), Labcorp
Classification: Uncertain significance for Baller-Gerold syndrome. Last evaluated: 2021-07-17. Review status: criteria provided, single submitter. Criteria: Invitae Variant Classification Sherloc (09022015). Collection method: clinical testing. Allele origin: germline.
Comment: This sequence change replaces glutamine with leucine at codon 277 of the RECQL4 protein (p.Gln277Leu). The glutamine residue is moderately conserved and there is a moderate physicochemical difference between glutamine and leucine. This variant is not present in population databases (ExAC no frequency). This variant has not been reported in the literature in individuals affected with RECQL4-related conditions. Experimental studies and prediction algorithms are not available or were not evaluated, and the functional significance of this variant is currently unknown. In summary, the available evidence is currently insufficient to determine the role of this variant in disease. Therefore, it has been classified as a Variant of Uncertain Significance.